The following is an entry in ClinVar:

NM_005458.8(GABBR2):c.2621C>A (p.Thr874Lys)

Gene: GABBR2 (gamma-aminobutyric acid type B receptor subunit 2; minus strand). Cytogenetic location: 9q22.33.
Variant type: single nucleotide variant.
Coding change: c.2621C>A on transcript NM_005458.8 (MANE Select); coding-DNA position 2621, C replaced by A.
Protein change: p.Thr874Lys; replaces threonine 874 with lysine.
Molecular consequence: missense variant.
Genome position (GRCh38, 1-based): chr9:98,293,824, G>T on the plus strand (C>A on the coding strand, the complement: GABBR2 is on the minus strand). VCF-style: chr9-98293824-G-T. GRCh37 (hg19) VCF-style: chr9-101056106-G-T.
Other names: short protein forms T874K.
Identifiers: ClinVar variation 1522062 (VCV001522062.6), dbSNP rs1363876623, ClinGen allele CA374210058.

ClinVar aggregate classification (germline): Uncertain significance (1 of 4 stars; one submission).

Conditions:
Epileptic encephalopathy. Identifiers: MedGen C0543888, HP:0200134.

Allele frequency attached by ClinVar (database versions not stated): gnomAD exomes below 0.00001; gnomAD 0.00003 and 0.00004.
gnomAD v4.1: 6 of 1,609,428 alleles (0.00037%); highest among the groups gnomAD compares: African/African-American, 0.008%; no homozygotes.

Submission:

Labcorp Genetics (formerly Invitae), Labcorp
Classification: Uncertain significance for Epileptic encephalopathy. Last evaluated: 2025-09-24. Review status: criteria provided, single submitter. Criteria: Invitae Variant Classification Sherloc (09022015). Collection method: clinical testing. Allele origin: germline.
Comment: This sequence change replaces threonine, which is neutral and polar, with lysine, which is basic and polar, at codon 874 of the GABBR2 protein (p.Thr874Lys). This variant is present in population databases (no rsID available, gnomAD 0.01%). This variant has not been reported in the literature in individuals affected with GABBR2-related conditions. ClinVar contains an entry for this variant (Variation ID: 1522062). An algorithm developed to predict the effect of missense changes on protein structure and function (PolyPhen-2) suggests that this variant is likely to be tolerated. In summary, the available evidence is currently insufficient to determine the role of this variant in disease. Therefore, it has been classified as a Variant of Uncertain Significance.